The following is an entry in ClinVar:

NM_001367479.1(DNAH14):c.10765del (p.Thr3589fs)

Gene: DNAH14 (dynein axonemal heavy chain 14; plus strand). Cytogenetic location: 1q42.12.
Variant type: Deletion.
Coding change: c.10765del on transcript NM_001367479.1 (MANE Select); coding-DNA position 10765, one base deleted (A; older notation c.10765delA).
Protein change: p.Thr3589fs; shifts the reading frame from threonine 3589.
Molecular consequence: frameshift variant.
Genome position (GRCh38, 1-based): chr1:225,346,048, A deleted; the last of 2 consecutive A bases (chr1:225,346,047-225,346,048); deleting either gives the same sequence. VCF-style (leftmost placement, unchanged base first): chr1-225346046-CA-C. GRCh37 (hg19) VCF-style: chr1-225533748-CA-C.
Other names: NM_001373.1:c.10486del; short protein forms T3589fs.
Identifiers: ClinVar variation 623727 (VCV000623727.45), dbSNP rs755167839, ClinGen allele CA1416672.

ClinVar aggregate classification (germline): Uncertain significance. Review status: criteria provided, multiple submitters, no conflicts (2 of 4 stars). 2 submissions from 2 submitters: Uncertain significance (2). Last evaluated 2024-07-10.

Submissions (2):

GeneDx
Classification: Uncertain significance. Last evaluated: 2024-07-10. Review status: criteria provided, single submitter. Criteria: GeneDx Variant Classification Process June 2021. Collection method: clinical testing. Allele origin: germline.
Comment: Frameshift variant predicted to result in protein truncation or nonsense mediated decay in a gene or region of a gene for which loss of function is not a well-established mechanism of disease; Has not been previously published as pathogenic or benign to our knowledge

CeGaT Center for Human Genetics Tuebingen
Classification: Uncertain significance. Last evaluated: 2018-04-01. Review status: criteria provided, single submitter. Criteria: CeGaT Center For Human Genetics Tuebingen Variant Classification Criteria Version 2. Collection method: clinical testing. Allele origin: germline. Affected: yes. Observed: 1 variant allele.